The following is an entry in ClinVar:

NM_207037.2(TCF12):c.529C>A (p.Pro177Thr)

Gene: TCF12 (transcription factor 12; plus strand). Cytogenetic location: 15q21.3.
Variant type: single nucleotide variant.
Coding change: c.529C>A on transcript NM_207037.2 (MANE Select); coding-DNA position 529, C replaced by A.
Protein change: p.Pro177Thr; replaces proline 177 with threonine.
Molecular consequence: missense variant. On other transcripts: 5 prime UTR variant (1).
Genome position (GRCh38, 1-based): chr15:57,197,775, C>A. VCF-style: chr15-57197775-C-A. GRCh37 (hg19) VCF-style: chr15-57489973-C-A.
Other names: c.529C>A, p.Pro177Thr (NM_001322151.2, NM_001322152.2, NM_001322157.3 and 7 more transcripts); c.-129C>A (NM_001322154.2); c.355C>A, p.Pro119Thr (NM_001322156.2, NM_001322158.2); c.565C>A, p.Pro189Thr (NM_001322164.2); short protein forms P119T, P177T, P189T.
Identifiers: ClinVar variation 3371098 (VCV003371098.1).

ClinVar aggregate classification (germline): Uncertain significance (1 of 4 stars; one submission).

Submission:

GeneDx
Classification: Uncertain significance. Last evaluated: 2024-03-15. Review status: criteria provided, single submitter. Criteria: GeneDx Variant Classification Process June 2021. Collection method: clinical testing. Allele origin: germline. Affected: yes.
Comment: Not observed at significant frequency in large population cohorts (gnomAD); In silico analysis supports that this missense variant does not alter protein structure/function; Has not been previously published as pathogenic or benign to our knowledge